The following is an entry in ClinVar:

ClinVar aggregate classification (germline): Likely benign. Review status: criteria provided, multiple submitters, no conflicts (2 of 4 stars). 3 submissions from 3 submitters: Likely benign (3). Last evaluated 2025-12-29.

Conditions:
Cardiovascular phenotype. Identifiers: MedGen CN230736.
Autosomal recessive limb-girdle muscular dystrophy type 2J (LGMDR10). Also called: MUSCULAR DYSTROPHY, LIMB-GIRDLE, AUTOSOMAL RECESSIVE 10; Limb-girdle muscular dystrophy, type 2J. Identifiers: Orphanet 140922, MedGen C1837342, MONDO:0012127, OMIM 608807.
Dilated cardiomyopathy 1G (CMD1G). Identifiers: Orphanet 154, MedGen C1858763, MONDO:0011400, OMIM 604145.

gnomAD v4.1: 17 of 1,613,702 alleles (0.0011%); highest among the groups gnomAD compares: Non-Finnish European, 0.0013%; no homozygotes.

Submissions (3):

Labcorp Genetics (formerly Invitae), Labcorp
Classification: Likely benign for Dilated cardiomyopathy 1G; Autosomal recessive limb-girdle muscular dystrophy type 2J. Last evaluated: 2025-12-29. Review status: criteria provided, single submitter. Criteria: Invitae Variant Classification Sherloc (09022015). Collection method: clinical testing. Allele origin: germline.

Ambry Genetics
Classification: Likely benign for Cardiovascular phenotype. Last evaluated: 2024-12-28. Review status: criteria provided, single submitter. Criteria: Ambry Variant Classification Scheme 2023. Collection method: clinical testing. Allele origin: germline.

GeneDx
Classification: Likely benign. Last evaluated: 2017-10-12. Review status: criteria provided, single submitter. Criteria: GeneDx Variant Classification (06012015). Collection method: clinical testing. Allele origin: germline. Affected: yes.
Comment: This variant is considered likely benign or benign based on one or more of the following criteria: it is a conservative change, it occurs at a poorly conserved position in the protein, it is predicted to be benign by multiple in silico algorithms, and/or has population frequency not consistent with disease.

NM_001267550.2(TTN):c.81762T>C (p.Phe27254=)

Genes: TTN-AS1 (TTN antisense RNA 1; plus strand), TTN (titin; minus strand). Cytogenetic location: 2q31.2.
Variant type: single nucleotide variant.
Coding change: c.81762T>C on transcript NM_001267550.2 (MANE Select); coding-DNA position 81762, T replaced by C.
Protein change: p.Phe27254=; no amino-acid change (phenylalanine 27254 retained).
Molecular consequence: synonymous variant.
Genome position (GRCh38, 1-based): chr2:178,564,370, A>G on the plus strand (T>C on the coding strand, the complement: TTN is on the minus strand). VCF-style: chr2-178564370-A-G. GRCh37 (hg19) VCF-style: chr2-179429097-A-G.
Other names: c.76839T>C, p.Phe25613= (NM_001256850.1); c.54567T>C, p.Phe18189= (NM_003319.4); c.74058T>C, p.Phe24686= (NM_133378.4); c.54942T>C, p.Phe18314= (NM_133432.3); c.55143T>C, p.Phe18381= (NM_133437.4).
Identifiers: ClinVar variation 512716 (VCV000512716.10), dbSNP rs958378883, ClinGen allele CA430251102.